The following is an entry in ClinVar:

ClinVar aggregate classification (germline): Uncertain significance. Review status: criteria provided, multiple submitters, no conflicts (2 of 4 stars). 2 submissions from 2 submitters: Uncertain significance (2). Last evaluated 2018-02-26.

Conditions:
Lethal fetal cerebrorenogenitourinary agenesis/hypoplasia syndrome. Also called: Meckel syndrome 12. Identifiers: Orphanet 439897, MedGen C4015701, MONDO:0014552, OMIM 616258.

Submissions (2):

Geisinger Autism and Developmental Medicine Institute, Geisinger Health System
Classification: Uncertain significance for Lethal fetal cerebrorenogenitourinary agenesis/hypoplasia syndrome. Last evaluated: 2018-02-26. Review status: criteria provided, single submitter. Criteria: ACMG Guidelines, 2015. Collection method: provider interpretation, clinical testing. Allele origin: paternal. Observed: 1 variant allele.
Comment: The c.4276A>C variant is absent from population databases (ExAC and gnomAD). Computational models are inconsistent. Homozygous and compound heteroxygous pathogenic variants have been reported in individuals with autosomal recessive Meckel syndrome 12, clinical features of which include intrauterine growth restriction, microcephaly, cerebellar hypoplasia, renal agenesis/hypoplasia, ureteral hypoplasia, uterine hypoplasia, and flexion arthrogryposis (Filges et al. 2014).

GeneDx
Classification: Uncertain significance. Last evaluated: 2017-03-28. Review status: criteria provided, single submitter. Criteria: GeneDx Variant Classification (06012015). Collection method: clinical testing. Allele origin: germline. Affected: yes.
Comment: The K1426Q variant in the KIF14 gene has not been reported previously as a pathogenic variant, nor as a benign variant, to our knowledge. The K1426Q variant is not observed in large population cohorts (Lek et al., 2016; 1000 Genomes Consortium et al., 2015; Exome Variant Server). The K1426Q variant is a semi-conservative amino acid substitution, which may impact secondary protein structure as these residues differ in some properties. However, this substitution occurs at a position that is not conserved across species, and in silico analysis is inconsistent in its predictions as to whether or not the variant is damaging to the protein structure/function. We interpret K1426Q as a variant of uncertain significance.

NM_014875.3(KIF14):c.4276A>C (p.Lys1426Gln)

Gene: KIF14 (kinesin family member 14; minus strand). Cytogenetic location: 1q32.1.
Variant type: single nucleotide variant.
Coding change: c.4276A>C on transcript NM_014875.3 (MANE Select); coding-DNA position 4276, A replaced by C.
Protein change: p.Lys1426Gln; replaces lysine 1426 with glutamine.
Molecular consequence: missense variant.
Genome position (GRCh38, 1-based): chr1:200,559,407, T>G on the plus strand (A>C on the coding strand, the complement: KIF14 is on the minus strand). VCF-style: chr1-200559407-T-G. GRCh37 (hg19) VCF-style: chr1-200528535-T-G.
Other names: c.2803A>C, p.Lys935Gln (NM_001305792.1); short protein forms K1426Q, K935Q.
Identifiers: ClinVar variation 426925 (VCV000426925.4), dbSNP rs1085307854, ClinGen allele CA344116289.
Genomic context (GRCh38, chr1:200,559,407, plus strand): 5'-GCCTAAAGAGTTCATGCTGAAGTTCTTTTGCTTTTTCCAGTCCAGAATCTAATAAAATCT[T>G]CATTCCTAAGCCTACACCATCACAAACAGCATCCATGAATTCCTCCTAGAAAAAGAATTT-3'
Protein context (NP_055690.1, residues 1416-1436): AVCDGVGLGM[Lys1426Gln]ILLDSGLEKA